The following is an entry in ClinVar:

ClinVar aggregate classification (germline): Uncertain significance (1 of 4 stars; one submission).

gnomAD v4.1: 3 of 1,614,156 alleles (0.00019%); highest among the groups gnomAD compares: African/African-American, 0.0013%; no homozygotes.

Submission:

Labcorp Genetics (formerly Invitae), Labcorp
Classification: Uncertain significance. Last evaluated: 2025-06-04. Review status: criteria provided, single submitter. Criteria: Invitae Variant Classification Sherloc (09022015). Collection method: clinical testing. Allele origin: germline.
Comment: This sequence change replaces tyrosine, which is neutral and polar, with phenylalanine, which is neutral and non-polar, at codon 270 of the SON protein (p.Tyr270Phe). This variant is not present in population databases (gnomAD no frequency). This variant has not been reported in the literature in individuals affected with SON-related conditions. An algorithm developed to predict the effect of missense changes on protein structure and function (PolyPhen-2) suggests that this variant is likely to be disruptive. In summary, the available evidence is currently insufficient to determine the role of this variant in disease. Therefore, it has been classified as a Variant of Uncertain Significance.

NM_138927.4(SON):c.809A>T (p.Tyr270Phe)

Gene: SON (SON DNA and RNA binding protein; plus strand). Cytogenetic location: 21q22.11.
Variant type: single nucleotide variant.
Coding change: c.809A>T on transcript NM_138927.4 (MANE Select); coding-DNA position 809, A replaced by T.
Protein change: p.Tyr270Phe; replaces tyrosine 270 with phenylalanine.
Molecular consequence: missense variant. On other transcripts: non-coding transcript variant (1), intron variant (1).
Genome position (GRCh38, 1-based): chr21:33,550,040, A>T. VCF-style: chr21-33550040-A-T. GRCh37 (hg19) VCF-style: chr21-34922346-A-T.
Other names: c.809A>T, p.Tyr270Phe (NM_001291411.2, NM_032195.3); c.244+3661A>T (NM_001291412.3); short protein forms Y270F.
Identifiers: ClinVar variation 4720739 (VCV004720739.1).